The following is an entry in ClinVar:

ClinVar aggregate classification (germline): Uncertain significance (1 of 4 stars; one submission).

Submission:

Labcorp Genetics (formerly Invitae), Labcorp
Classification: Uncertain significance. Last evaluated: 2023-10-05. Review status: criteria provided, single submitter. Criteria: Invitae Variant Classification Sherloc (09022015). Collection method: clinical testing. Allele origin: germline.
Comment: This sequence change replaces leucine, which is neutral and non-polar, with phenylalanine, which is neutral and non-polar, at codon 164 of the CTNNA1 protein (p.Leu164Phe). This variant is not present in population databases (gnomAD no frequency). This variant has not been reported in the literature in individuals affected with CTNNA1-related conditions. ClinVar contains an entry for this variant (Variation ID: 1045121). Advanced modeling of protein sequence and biophysical properties (such as structural, functional, and spatial information, amino acid conservation, physicochemical variation, residue mobility, and thermodynamic stability) performed at Invitae indicates that this missense variant is not expected to disrupt CTNNA1 protein function. In summary, the available evidence is currently insufficient to determine the role of this variant in disease. Therefore, it has been classified as a Variant of Uncertain Significance.

NM_001903.5(CTNNA1):c.492G>C (p.Leu164Phe)

Gene: CTNNA1 (catenin alpha 1; plus strand). Cytogenetic location: 5q31.2.
Variant type: single nucleotide variant.
Coding change: c.492G>C on transcript NM_001903.5 (MANE Select); coding-DNA position 492, G replaced by C.
Protein change: p.Leu164Phe; replaces leucine 164 with phenylalanine.
Molecular consequence: missense variant.
Genome position (GRCh38, 1-based): chr5:138,812,206, G>C. VCF-style: chr5-138812206-G-C. GRCh37 (hg19) VCF-style: chr5-138147895-G-C.
Other names: c.492G>C, p.Leu164Phe (NM_001290307.3, NM_001323982.2, NM_001323983.1 and 3 more transcripts); c.183G>C, p.Leu61Phe (NM_001290309.3); c.123G>C, p.Leu41Phe (NM_001290310.3); short protein forms L41F, L164F, L61F.
Identifiers: ClinVar variation 1045121 (VCV001045121.8), dbSNP rs1404658974, ClinGen allele CA361125022.
Genomic context (GRCh38, chr5:138,812,206, plus strand): 5'-AGAATTTTTGGGTTTTGGGGTCTTTCTTATTTTATAGGTGGAAGATGGTATCTTGAAGTT[G>C]AGGAATGCTGGCAATGAACAAGACTTAGGAATCCAGTATAAAGCCCTAAAACCTGAAGTG-3'
Protein context (NP_001894.2, residues 154-174): LKVVEDGILK[Leu164Phe]RNAGNEQDLG